The following is an entry in ClinVar:

NM_153834.4(ADGRG4):c.6832A>G (p.Ile2278Val)

Genes: ADGRG4 (adhesion G protein-coupled receptor G4; plus strand), LOC126863328 (P300/CBP strongly-dependent group 1 enhancer GRCh37_chrX:135434931-135436130; plus strand). Cytogenetic location: Xq26.3.
Variant type: single nucleotide variant.
Coding change: c.6832A>G on transcript NM_153834.4 (MANE Select); coding-DNA position 6832, A replaced by G.
Protein change: p.Ile2278Val; replaces isoleucine 2278 with valine.
Molecular consequence: missense variant.
Genome position (GRCh38, 1-based): chrX:136,353,346, A>G. VCF-style: chrX-136353346-A-G. GRCh37 (hg19) VCF-style: chrX-135435505-A-G.
Other names: short protein forms I2278V.
Identifiers: ClinVar variation 2349030 (VCV002349030.3), dbSNP rs141734679, ClinGen allele CA10526823.

ClinVar aggregate classification (germline): Conflicting classifications of pathogenicity. Review status: criteria provided, conflicting classifications (1 of 4 stars). 2 submissions from 2 submitters: Uncertain significance (1); Likely benign (1). Last evaluated 2026-03-05.

Conditions:
ADGRG4-related disorder. Also called: ADGRG4-related condition.

Allele frequency attached by ClinVar (database versions not stated): ExAC 0.00005; TOPMed 0.00009; gnomAD 0.00011; gnomAD exomes 0.00011; ESP Exome Variant Server 0.00028.
gnomAD v4.1: 130 of 1,185,430 alleles (0.011%); highest among the groups gnomAD compares: Non-Finnish European, 0.015%; no homozygotes.

Submissions (2):

PreventionGenetics, part of Exact Sciences
Classification: Likely benign for ADGRG4-related condition. Last evaluated: 2026-03-05. Review status: criteria provided, single submitter. Criteria: ACMG Guidelines, 2015. Collection method: clinical testing. Allele origin: germline.
Comment: This variant is classified as likely benign based on ACMG/AMP sequence variant interpretation guidelines (Richards et al. 2015 PMID: 25741868, with internal and published modifications).

Ambry Genetics
Classification: Uncertain significance. Last evaluated: 2022-12-28. Review status: criteria provided, single submitter. Criteria: Ambry Variant Classification Scheme 2023. Collection method: clinical testing. Allele origin: germline.